The following is an entry in ClinVar:

NM_020964.3(EPG5):c.1949C>T (p.Thr650Ile)

Gene: EPG5 (ectopic P-granules 5 autophagy tethering factor; minus strand). Cytogenetic location: 18q21.1.
Variant type: single nucleotide variant.
Coding change: c.1949C>T on transcript NM_020964.3 (MANE Select); coding-DNA position 1949, C replaced by T.
Protein change: p.Thr650Ile; replaces threonine 650 with isoleucine.
Molecular consequence: missense variant.
Genome position (GRCh38, 1-based): chr18:45,939,750, G>A on the plus strand (C>T on the coding strand, the complement: EPG5 is on the minus strand). VCF-style: chr18-45939750-G-A. GRCh37 (hg19) VCF-style: chr18-43519716-G-A.
Other names: short protein forms T650I.
Identifiers: ClinVar variation 1370624 (VCV001370624.7), dbSNP rs1342520686, ClinGen allele CA402348201.

ClinVar aggregate classification (germline): Uncertain significance (1 of 4 stars; one submission).

Conditions:
Vici syndrome (VICIS). Identifiers: Orphanet 1493, MedGen C1855772, MONDO:0009452, OMIM 242840.

Allele frequency attached by ClinVar (database versions not stated): gnomAD exomes below 0.00001; TOPMed below 0.00001; gnomAD 0.00001.
gnomAD v4.1: 15 of 1,613,246 alleles (0.00093%); highest among the groups gnomAD compares: Non-Finnish European, 0.0012%; no homozygotes.

Submission:

Labcorp Genetics (formerly Invitae), Labcorp
Classification: Uncertain significance for Vici syndrome. Last evaluated: 2021-07-28. Review status: criteria provided, single submitter. Criteria: Invitae Variant Classification Sherloc (09022015). Collection method: clinical testing. Allele origin: germline.
Comment: This variant is not present in population databases (ExAC no frequency). In summary, the available evidence is currently insufficient to determine the role of this variant in disease. Therefore, it has been classified as a Variant of Uncertain Significance. Algorithms developed to predict the effect of missense changes on protein structure and function output the following: SIFT: "Deleterious"; PolyPhen-2: "Probably Damaging"; Align-GVGD: "Class C0". The isoleucine amino acid residue is found in multiple mammalian species, which suggests that this missense change does not adversely affect protein function. This variant has not been reported in the literature in individuals affected with EPG5-related conditions. This sequence change replaces threonine with isoleucine at codon 650 of the EPG5 protein (p.Thr650Ile). The threonine residue is moderately conserved and there is a moderate physicochemical difference between threonine and isoleucine.